The following is an entry in ClinVar:

NM_024675.4(PALB2):c.2166C>T (p.Asp722=)

Gene: PALB2 (partner and localizer of BRCA2; minus strand). Cytogenetic location: 16p12.2.
Variant type: single nucleotide variant.
Coding change: c.2166C>T on transcript NM_024675.4 (MANE Select); coding-DNA position 2166, C replaced by T.
Protein change: p.Asp722=; no amino-acid change (aspartic acid 722 retained).
Molecular consequence: synonymous variant. On other transcripts: intron variant (1).
Genome position (GRCh38, 1-based): chr16:23,629,988, G>A on the plus strand (C>T on the coding strand, the complement: PALB2 is on the minus strand). VCF-style: chr16-23629988-G-A. GRCh37 (hg19) VCF-style: chr16-23641309-G-A.
Other names: c.2106C>T, p.Asp702= (NM_001407296.1); c.2166C>T, p.Asp722= (NM_001407297.1, NM_001407298.1, NM_001407299.1 and 3 more transcripts); c.1281C>T, p.Asp427= (NM_001407304.1, NM_001407305.1, NM_001407306.1 and 5 more transcripts); c.378C>T, p.Asp126= (NM_001407312.1, NM_001407313.1); c.49-713C>T (NM_001407314.1).
Identifiers: ClinVar variation 1786985 (VCV001786985.8), dbSNP rs768901359, ClinGen allele CA494461132.

ClinVar aggregate classification (germline): Benign/Likely benign. Review status: criteria provided, multiple submitters, no conflicts (2 of 4 stars). 3 submissions from 3 submitters: Benign (1); Likely benign (2). Last evaluated 2025-01-15.

Conditions:
Hereditary cancer-predisposing syndrome. Also called: Neoplastic Syndromes, Hereditary; Tumor predisposition; Hereditary Cancer Syndrome; Hereditary neoplastic syndrome. Identifiers: Orphanet 140162, MedGen C0027672, MeSH D009386, MONDO:0015356.
Familial cancer of breast. Also called: BREAST CANCER, FAMILIAL; Hereditary breast cancer; hereditary breast carcinoma. Identifiers: Orphanet 227535, MedGen C0346153, MONDO:0016419, OMIM 114480. Disease mechanism: loss of function.

Submissions (3):

Myriad Genetics, Inc.
Classification: Benign for Familial cancer of breast. Last evaluated: 2025-01-15. Review status: criteria provided, single submitter. Criteria: Myriad Autosomal Dominant, Autosomal Recessive and X-Linked Classification Criteria (2023). Collection method: clinical testing. Allele origin: unknown.
Comment: This variant is considered benign. This variant is a silent/synonymous amino acid change and it is not expected to impact splicing.

Labcorp Genetics (formerly Invitae), Labcorp
Classification: Likely benign for Familial cancer of breast. Last evaluated: 2024-08-04. Review status: criteria provided, single submitter. Criteria: Invitae Variant Classification Sherloc (09022015). Collection method: clinical testing. Allele origin: germline.

Ambry Genetics
Classification: Likely benign for Hereditary cancer-predisposing syndrome. Last evaluated: 2020-01-20. Review status: criteria provided, single submitter. Criteria: Ambry Variant Classification Scheme 2023. Collection method: clinical testing. Allele origin: germline.